The following is an entry in ClinVar:

ClinVar aggregate classification (germline): Uncertain significance. Review status: criteria provided, multiple submitters, no conflicts (2 of 4 stars). 3 submissions from 3 submitters: Uncertain significance (3). Last evaluated 2026-02-19.

Conditions:
COG7 congenital disorder of glycosylation (CDG2E). Also called: CONGENITAL DISORDER OF GLYCOSYLATION, TYPE IIe; CDG IIe. Identifiers: Orphanet 79333, MedGen C2931010, MONDO:0012118, OMIM 608779.
Inborn genetic diseases. Identifiers: MedGen C0950123, MeSH D030342.
COG7-related disorder. Also called: COG7-related condition.

Allele frequency attached by ClinVar (database versions not stated): ESP Exome Variant Server 0.00015; gnomAD 0.00001; TOPMed 0.00005; ExAC 0.00008.
gnomAD v4.1: 56 of 1,614,012 alleles (0.0035%); highest among the groups gnomAD compares: East Asian, 0.069%; no homozygotes.

Submissions (3):

PreventionGenetics, part of Exact Sciences
Classification: Uncertain significance for COG7-related condition. Last evaluated: 2026-02-19. Review status: criteria provided, single submitter. Criteria: ACMG Guidelines, 2015. Collection method: clinical testing. Allele origin: germline.
Comment: The COG7 c.2056G>A variant is predicted to result in the amino acid substitution p.Ala686Thr. To our knowledge, this variant has not been reported in the literature. This variant is reported in 0.082% of alleles in individuals of East Asian descent in gnomAD. At this time, the clinical significance of this variant is uncertain due to the absence of conclusive functional and genetic evidence.

Labcorp Genetics (formerly Invitae), Labcorp
Classification: Uncertain significance for COG7 congenital disorder of glycosylation. Last evaluated: 2023-08-17. Review status: criteria provided, single submitter. Criteria: Invitae Variant Classification Sherloc (09022015). Collection method: clinical testing. Allele origin: germline.
Comment: In summary, the available evidence is currently insufficient to determine the role of this variant in disease. Therefore, it has been classified as a Variant of Uncertain Significance. Advanced modeling of protein sequence and biophysical properties (such as structural, functional, and spatial information, amino acid conservation, physicochemical variation, residue mobility, and thermodynamic stability) performed at Invitae indicates that this missense variant is not expected to disrupt COG7 protein function. ClinVar contains an entry for this variant (Variation ID: 2080580). This variant has not been reported in the literature in individuals affected with COG7-related conditions. This variant is present in population databases (rs140441189, gnomAD 0.08%). This sequence change replaces alanine, which is neutral and non-polar, with threonine, which is neutral and polar, at codon 686 of the COG7 protein (p.Ala686Thr).

Ambry Genetics
Classification: Uncertain significance for Inborn genetic diseases. Last evaluated: 2022-07-26. Review status: criteria provided, single submitter. Criteria: Ambry Variant Classification Scheme 2023. Collection method: clinical testing. Allele origin: germline.

NM_153603.4(COG7):c.2056G>A (p.Ala686Thr)

Gene: COG7 (component of oligomeric golgi complex 7; minus strand). Cytogenetic location: 16p12.2.
Variant type: single nucleotide variant.
Coding change: c.2056G>A on transcript NM_153603.4 (MANE Select); coding-DNA position 2056, G replaced by A.
Protein change: p.Ala686Thr; replaces alanine 686 with threonine.
Molecular consequence: missense variant.
Genome position (GRCh38, 1-based): chr16:23,392,470, C>T on the plus strand (G>A on the coding strand, the complement: COG7 is on the minus strand). VCF-style: chr16-23392470-C-T. GRCh37 (hg19) VCF-style: chr16-23403791-C-T.
Other names: short protein forms A686T.
Identifiers: ClinVar variation 2080580 (VCV002080580.5), dbSNP rs140441189, ClinGen allele CA7960798.